The following is an entry in ClinVar:

ClinVar aggregate classification (germline): Uncertain significance (1 of 4 stars; one submission).

Allele frequency attached by ClinVar (database versions not stated): gnomAD 0.00001; TOPMed 0.00001.
gnomAD v4.1: 3 of 1,602,508 alleles (0.00019%); no homozygotes.

Submission:

Labcorp Genetics (formerly Invitae), Labcorp
Classification: Uncertain significance. Last evaluated: 2020-02-12. Review status: criteria provided, single submitter. Criteria: Invitae Variant Classification Sherloc (09022015). Collection method: clinical testing. Allele origin: germline.
Comment: In summary, the available evidence is currently insufficient to determine the role of this variant in disease. Therefore, it has been classified as a Variant of Uncertain Significance. Algorithms developed to predict the effect of missense changes on protein structure and function are either unavailable or do not agree on the potential impact of this missense change (SIFT: "Tolerated"; PolyPhen-2: "Possibly Damaging"; Align-GVGD: "Class C0"). This variant has not been reported in the literature in individuals with PLEKHM2-related conditions. This variant is not present in population databases (ExAC no frequency). This sequence change replaces glutamine with histidine at codon 557 of the PLEKHM2 protein (p.Gln557His). The glutamine residue is moderately conserved and there is a small physicochemical difference between glutamine and histidine.

NM_015164.4(PLEKHM2):c.1671G>T (p.Gln557His)

Gene: PLEKHM2 (pleckstrin homology and RUN domain containing M2; plus strand). Cytogenetic location: 1p36.21.
Variant type: single nucleotide variant.
Coding change: c.1671G>T on transcript NM_015164.4 (MANE Select); coding-DNA position 1671, G replaced by T.
Protein change: p.Gln557His; replaces glutamine 557 with histidine.
Molecular consequence: missense variant.
Genome position (GRCh38, 1-based): chr1:15,727,743, G>T. VCF-style: chr1-15727743-G-T. GRCh37 (hg19) VCF-style: chr1-16054238-G-T.
Other names: short protein forms Q557H.
Identifiers: ClinVar variation 639191 (VCV000639191.8), dbSNP rs373878060, ClinGen allele CA338588159.